The following is an entry in ClinVar:

ClinVar aggregate classification (germline): Uncertain significance (1 of 4 stars; one submission).

Conditions:
Cardiomyopathy (CMYO). Also called: Cardiomyopathies. Identifiers: Orphanet 167848, MedGen C0878544, MONDO:0004994, HP:0001638. Inheritance: Various modes of inheritance.

Allele frequency attached by ClinVar (database versions not stated): gnomAD exomes below 0.00001; ExAC 0.00001.

Submission:

Color Diagnostics, LLC DBA Color Health
Classification: Uncertain significance for Cardiomyopathy. Last evaluated: 2021-03-05. Review status: criteria provided, single submitter. Criteria: ACMG Guidelines, 2015. Collection method: clinical testing. Allele origin: germline.
Comment: This variant alters the translation initiation codon of the TMEM43 mRNA. This variant is expected to disrupt translation initiation and result in an absent or truncated protein product. To our knowledge, functional studies have not been reported for this variant. This variant has not been reported in individuals affected with cardiovascular disorders in the literature. This variant has been identified in 1/238162 chromosomes in the general population by the Genome Aggregation Database (gnomAD). The role of TMEM43 truncations and other loss-of-function variants in cardiovascular disorders is not yet fully understood. The available evidence is insufficient to determine the role of this variant in disease conclusively. Therefore, this variant is classified as a Variant of Uncertain Significance.

NM_024334.3(TMEM43):c.2T>A (p.Met1Lys)

Gene: TMEM43 (transmembrane protein 43; plus strand). Cytogenetic location: 3p25.1.
Variant type: single nucleotide variant.
Coding change: c.2T>A on transcript NM_024334.3 (MANE Select); coding-DNA position 2, T replaced by A.
Protein change: p.Met1Lys; changes the start codon (methionine 1).
Molecular consequence: missense variant, initiator codon variant.
Genome position (GRCh38, 1-based): chr3:14,125,195, T>A. VCF-style: chr3-14125195-T-A. GRCh37 (hg19) VCF-style: chr3-14166695-T-A.
Other names: short protein forms M1K.
Identifiers: ClinVar variation 1331778 (VCV001331778.3), dbSNP rs765619239, ClinGen allele CA052802.